The following is an entry in ClinVar:

ClinVar aggregate classification (germline): Uncertain significance. Review status: criteria provided, multiple submitters, no conflicts (2 of 4 stars). 2 submissions from 2 submitters: Uncertain significance (2). Last evaluated 2025-05-14.

Conditions:
Inborn genetic diseases. Identifiers: MedGen C0950123, MeSH D030342.
Epidermolysis bullosa simplex with nail dystrophy (EBS5D). Identifiers: MedGen C4225309, MONDO:0014661, OMIM 616487.
Epidermolysis bullosa simplex, Ogna type (EBS5A). Also called: EPIDERMOLYSIS BULLOSA SIMPLEX 5A, OGNA TYPE; Pidermolysis bullosa simplex 5A, Ogna type. Identifiers: Orphanet 79401, MedGen C0432317, MONDO:0007555, OMIM 131950.
Autosomal recessive limb-girdle muscular dystrophy type 2Q (LGMDR17). Also called: MUSCULAR DYSTROPHY, LIMB-GIRDLE, AUTOSOMAL RECESSIVE 17. Identifiers: Orphanet 254361, MedGen C3150989, MONDO:0013390, OMIM 613723.
Epidermolysis bullosa simplex 5B, with muscular dystrophy (EBS5B). Also called: EPIDERMOLYSIS BULLOSA SIMPLEX AND LIMB-GIRDLE MUSCULAR DYSTROPHY; Epidermolysis bullosa simplex with muscular dystrophy. Identifiers: Orphanet 257, MedGen C2931072, MONDO:0009181, OMIM 226670.
Epidermolysis bullosa simplex 5C, with pyloric atresia (EBS5C). Also called: PLEC1-Related Epidermolysis Bullosa with Pyloric Atresia; PLEC-Related Epidermolysis Bullosa with Pyloric Atresia; Epidermolysis bullosa simplex with pyloric atresia. Identifiers: Orphanet 158684, MedGen C2677349, MONDO:0012807, OMIM 612138.

gnomAD v4.1: 2 of 1,609,172 alleles (0.00012%); highest among the groups gnomAD compares: South Asian, 0.0011%; no homozygotes.

Submissions (2):

Ambry Genetics
Classification: Uncertain significance for Inborn genetic diseases. Last evaluated: 2025-05-14. Review status: criteria provided, single submitter. Criteria: Ambry Variant Classification Scheme 2023. Collection method: clinical testing. Allele origin: germline.

Labcorp Genetics (formerly Invitae), Labcorp
Classification: Uncertain significance for Autosomal recessive limb-girdle muscular dystrophy type 2Q; Epidermolysis bullosa simplex, Ogna type; Epidermolysis bullosa simplex with nail dystrophy; Epidermolysis bullosa simplex 5C, with pyloric atresia; Epidermolysis bullosa simplex 5B, with muscular dystrophy. Last evaluated: 2025-01-20. Review status: criteria provided, single submitter. Criteria: Invitae Variant Classification Sherloc (09022015). Collection method: clinical testing. Allele origin: germline.
Comment: This sequence change replaces glutamine, which is neutral and polar, with arginine, which is basic and polar, at codon 2237 of the PLEC protein (p.Gln2237Arg). This variant is not present in population databases (gnomAD no frequency). This variant has not been reported in the literature in individuals affected with PLEC-related conditions. An algorithm developed to predict the effect of missense changes on protein structure and function (PolyPhen-2) suggests that this variant is likely to be disruptive. In summary, the available evidence is currently insufficient to determine the role of this variant in disease. Therefore, it has been classified as a Variant of Uncertain Significance.

NM_201384.3(PLEC):c.6629A>G (p.Gln2210Arg)

Gene: PLEC (plectin; minus strand). Cytogenetic location: 8q24.3.
Variant type: single nucleotide variant.
Coding change: c.6629A>G on transcript NM_201384.3 (MANE Select); coding-DNA position 6629, A replaced by G.
Protein change: p.Gln2210Arg; replaces glutamine 2210 with arginine.
Molecular consequence: missense variant. On other transcripts: intron variant (1).
Genome position (GRCh38, 1-based): chr8:143,923,300, T>C on the plus strand (A>G on the coding strand, the complement: PLEC is on the minus strand). VCF-style: chr8-143923300-T-C. GRCh37 (hg19) VCF-style: chr8-144997468-T-C.
Other names: c.6710A>G, p.Gln2237Arg (NM_000445.5); c.6587A>G, p.Gln2196Arg (NM_201378.4); c.6563A>G, p.Gln2188Arg (NM_201379.3); c.7040A>G, p.Gln2347Arg (NM_201380.4); c.6710A>G (NM_000445.3); c.6533A>G, p.Gln2178Arg (NM_201381.3); c.6629A>G, p.Gln2210Arg (NM_201382.4); c.6641A>G, p.Gln2214Arg (NM_201383.3); and 1 more; short protein forms Q2178R, Q2188R, Q2196R, Q2210R, Q2214R, Q2237R, Q2347R.
Identifiers: ClinVar variation 3763309 (VCV003763309.3).
Genomic context (GRCh38, chr8:143,923,300, plus strand): 5'-AGCTCCTCCTCCACCTGGCTGCGCTGGCGTGCGGCCTCCGTGGCCTCCGCCTTCAGCCGC[T>C]GCAGCTCCTCGTCCAGCAGGTTCTTCTGGTGGTCGGTCTCCTCCAGCTGCAGCCGCAGTG-3'
Protein context (NP_958786.1, residues 2200-2220): HQKNLLDEEL[Gln2210Arg]RLKAEATEAA